The following is an entry in ClinVar:

ClinVar aggregate classification (germline): Benign/Likely benign. Review status: criteria provided, multiple submitters, no conflicts (2 of 4 stars). 12 submissions from 12 submitters: Benign (2); Likely benign (5). 5 of the submissions do not count toward it. Last evaluated 2025-03-04.

Conditions:
BRCA2-related disorder. Also called: BRCA2-related condition; BRCA2-related disorders. Identifiers: MedGen CN239275.
Breast-ovarian cancer, familial, susceptibility to, 2 (BROVCA2). Also called: BRCA2 Hereditary Breast and Ovarian Cancer. Identifiers: Orphanet 145, MedGen C2675520, MONDO:0012933, OMIM 612555. Disease mechanism: loss of function.
Hereditary breast ovarian cancer syndrome. Also called: Hereditary breast and/or ovarian cancer syndrome; Hereditary breast and ovarian cancer syndrome (HBOC); Breast and ovarian cancer; Hereditary breast and ovarian cancer; BRCA1- and BRCA2-Associated Hereditary Breast and Ovarian Cancer; Hereditary breast and ovarian cancer syndrome. Identifiers: Orphanet 145, MedGen C0677776, MeSH D061325, MONDO:0003582. Disease mechanism: loss of function.

Allele frequency attached by ClinVar (database versions not stated): ExAC 0.00043; gnomAD exomes 0.00044 and 0.00082; TOPMed 0.00047; gnomAD 0.00048; ESP Exome Variant Server 0.00062.
gnomAD v4.1: 1,209 of 1,510,676 alleles (0.08%); highest among the groups gnomAD compares: Non-Finnish European, 0.098%; no homozygotes.

Submissions (12):

Center for Genomic Medicine, Rigshospitalet, Copenhagen University Hospital
Classification: Likely benign. Last evaluated: 2025-03-04. Review status: criteria provided, single submitter. Criteria: ACMG Guidelines, 2015. Collection method: clinical testing. Allele origin: germline.

National Health Laboratory Service, Universitas Academic Hospital and University of the Free State
Classification: Likely benign for Hereditary breast ovarian cancer syndrome. Last evaluated: 2021-11-16. Review status: criteria provided, single submitter. Criteria: ACMG Guidelines, 2015. Collection method: clinical testing. Allele origin: germline. Affected: yes. Observed: 1 variant allele.

Mendelics
Classification: Likely benign for Breast-ovarian cancer, familial, susceptibility to, 2. Last evaluated: 2019-05-28. Review status: criteria provided, single submitter. Criteria: Mendelics Assertion Criteria 2017. Collection method: clinical testing. Allele origin: unknown.

Clinical Genetics DNA and cytogenetics Diagnostics Lab, Erasmus MC, Erasmus Medical Center
Classification: Benign for Breast-ovarian cancer, familial, susceptibility to, 2. Last evaluated: 2015-09-21. Review status: criteria provided, single submitter. Criteria: ACGS Guidelines, 2013. Collection method: clinical testing. Allele origin: germline. Affected: yes. Study: VKGL Data-share Consensus.

Genome Diagnostics Laboratory, University Medical Center Utrecht
Classification: Likely benign for Breast-ovarian cancer, familial, susceptibility to, 2. Last evaluated: 2015-05-04. Review status: criteria provided, single submitter. Criteria: ACGS Guidelines, 2013. Collection method: clinical testing. Allele origin: germline. Affected: yes. Study: VKGL Data-share Consensus.

Molecular Genetics Laboratory, University of Michigan
Classification: Benign for Breast-ovarian cancer, familial, susceptibility to, 2. Last evaluated: 2014-11-03. Review status: criteria provided, single submitter. Criteria: ACMG Guidelines, 2015. Collection method: clinical testing. Allele origin: germline. Affected: yes.

Department of Pathology and Laboratory Medicine, Sinai Health System
Classification: Likely benign. Review status: criteria provided, single submitter. Criteria: ACMG Guidelines, 2015. Collection method: clinical testing. Allele origin: germline. Affected: yes. Study: The Canadian Open Genetics Repository (COGR).

PreventionGenetics, part of Exact Sciences
Classification: Likely benign for BRCA2-related condition. Last evaluated: 2021-10-15. Review status: no assertion criteria provided. Collection method: clinical testing. Allele origin: germline. Not counted in ClinVar's aggregate classification.
Comment: This variant is classified as likely benign based on ACMG/AMP sequence variant interpretation guidelines (Richards et al. 2015 PMID: 25741868, with internal and published modifications).

BRCAlab, Lund University
Classification: Benign for Breast-ovarian cancer, familial, susceptibility to, 2. Last evaluated: 2020-03-02. Review status: no assertion criteria provided. Collection method: clinical testing. Allele origin: germline. Affected: yes. Not counted in ClinVar's aggregate classification.

Counsyl
Classification: Likely benign for Breast-ovarian cancer, familial, susceptibility to, 2. Last evaluated: 2016-05-12. Review status: no assertion criteria provided. Collection method: clinical testing. Allele origin: unknown. Not counted in ClinVar's aggregate classification.

Clinical Genetics Laboratory, Department of Pathology, Netherlands Cancer Institute
Classification: Likely benign. Review status: no assertion criteria provided. Collection method: clinical testing. Allele origin: germline. Affected: yes. Study: VKGL Data-share Consensus. Not counted in ClinVar's aggregate classification.

Joint Genome Diagnostic Labs from Nijmegen and Maastricht, Radboudumc and MUMC+
Classification: Likely benign. Review status: no assertion criteria provided. Collection method: clinical testing. Allele origin: germline. Affected: yes. Study: VKGL Data-share Consensus. Not counted in ClinVar's aggregate classification.

Literature cited by the submitters: DOI 10.3389/fgene.2022.834265 (cited by National Health Laboratory Service, Universitas Academic Hospital and University of the Free State).

NM_000059.4(BRCA2):c.631+25C>T

Gene: BRCA2 (BRCA2 DNA repair associated; plus strand). Cytogenetic location: 13q13.1.
Variant type: single nucleotide variant.
Coding change: c.631+25C>T on transcript NM_000059.4 (MANE Select); 25 bases into the intron after coding-DNA position 631, C replaced by T.
Molecular consequence: intron variant.
Genome position (GRCh38, 1-based): chr13:32,326,638, C>T. VCF-style: chr13-32326638-C-T. GRCh37 (hg19) VCF-style: chr13-32900775-C-T.
Identifiers: ClinVar variation 225713 (VCV000225713.35), dbSNP rs367871824, ClinGen allele CA6940403.